The following is an entry in ClinVar:

ClinVar aggregate classification (germline): Uncertain significance (1 of 4 stars; one submission).

Conditions:
Charcot-Marie-Tooth disease axonal type 2P. Also called: CHARCOT-MARIE-TOOTH NEUROPATHY, TYPE 2P; Charcot-Marie-Tooth Neuropathy Type 2G; CHARCOT-MARIE-TOOTH DISEASE, AXONAL, TYPE 2G; CMT 2G. Identifiers: Orphanet 300319, Orphanet 99941, MedGen C3280797, MONDO:0013753, OMIM 614436.

Allele frequency attached by ClinVar (database versions not stated): gnomAD exomes below 0.00001.
gnomAD v4.1: 2 of 1,613,456 alleles (0.00012%); highest among the groups gnomAD compares: Non-Finnish European, 0.00017%; no homozygotes.

Submission:

Labcorp Genetics (formerly Invitae), Labcorp
Classification: Uncertain significance for Charcot-Marie-Tooth disease axonal type 2P. Last evaluated: 2023-09-14. Review status: criteria provided, single submitter. Criteria: Invitae Variant Classification Sherloc (09022015). Collection method: clinical testing. Allele origin: germline.
Comment: In summary, the available evidence is currently insufficient to determine the role of this variant in disease. Therefore, it has been classified as a Variant of Uncertain Significance. Advanced modeling of protein sequence and biophysical properties (such as structural, functional, and spatial information, amino acid conservation, physicochemical variation, residue mobility, and thermodynamic stability) performed at Invitae indicates that this missense variant is expected to disrupt LRSAM1 protein function. This sequence change replaces cysteine, which is neutral and slightly polar, with arginine, which is basic and polar, at codon 678 of the LRSAM1 protein (p.Cys678Arg). This variant is not present in population databases (gnomAD no frequency). This variant has not been reported in the literature in individuals affected with LRSAM1-related conditions.

NM_001005373.4(LRSAM1):c.2032T>C (p.Cys678Arg)

Gene: LRSAM1 (leucine rich repeat and sterile alpha motif containing 1; plus strand). Cytogenetic location: 9q34.11.
Variant type: single nucleotide variant.
Coding change: c.2032T>C on transcript NM_001005373.4 (MANE Select); coding-DNA position 2032, T replaced by C.
Protein change: p.Cys678Arg; replaces cysteine 678 with arginine.
Molecular consequence: missense variant. On other transcripts: non-coding transcript variant (2).
Genome position (GRCh38, 1-based): chr9:127,501,129, T>C. VCF-style: chr9-127501129-T-C. GRCh37 (hg19) VCF-style: chr9-130263408-T-C.
Other names: c.2032T>C, p.Cys678Arg (NM_138361.5, NM_001005374.4, NM_001384142.1); c.1951T>C, p.Cys651Arg (NM_001190723.3); c.1933T>C, p.Cys645Arg (NM_001384143.1); c.1243T>C, p.Cys415Arg (NM_001384144.1); short protein forms C645R, C678R, C415R, C651R.
Identifiers: ClinVar variation 2760656 (VCV002760656.3), dbSNP rs2539464635, ClinGen allele CA374938347.
Genomic context (GRCh38, chr9:127,501,129, plus strand): 5'-TCTGTGAGGCCATCCGCTCCCCCTGCAGAGCTGGAGGTGCAGGCCTCAGAGTGTGTCGTG[T>C]GCCTGGAACGGGAGGTAAGTCCGGGGCCCTCCCCACCCGCCTGCCCTGCCTGTGGCCACC-3'
Protein context (NP_001005373.1, residues 668-688): LEVQASECVV[Cys678Arg]LEREAQMIFL